The following is an entry in ClinVar:

ClinVar aggregate classification (germline): Pathogenic (1 of 4 stars; one submission).

Submission:

Labcorp Genetics (formerly Invitae), Labcorp
Classification: Pathogenic. Last evaluated: 2025-09-15. Review status: criteria provided, single submitter. Criteria: Invitae Variant Classification Sherloc (09022015). Collection method: clinical testing. Allele origin: germline.
Comment: This sequence change creates a premature translational stop signal (p.Trp364*) in the HGF gene. It is expected to result in an absent or disrupted protein product. Loss-of-function variants in HGF are known to be pathogenic (PMID: 38676400, 38791500). This variant is not present in population databases (gnomAD no frequency). This variant has not been reported in the literature in individuals affected with HGF-related conditions. For these reasons, this variant has been classified as Pathogenic.

Literature cited by the submitters: PubMed 38676400; PubMed 38791500.

NM_000601.6(HGF):c.1091G>A (p.Trp364Ter)

Gene: HGF (hepatocyte growth factor; minus strand). Cytogenetic location: 7q21.11.
Variant type: single nucleotide variant.
Coding change: c.1091G>A on transcript NM_000601.6 (MANE Select); coding-DNA position 1091, G replaced by A.
Protein change: p.Trp364Ter; replaces tryptophan 364 with a stop codon.
Molecular consequence: nonsense.
Genome position (GRCh38, 1-based): chr7:81,725,967, C>T on the plus strand (G>A on the coding strand, the complement: HGF is on the minus strand). VCF-style: chr7-81725967-C-T. GRCh37 (hg19) VCF-style: chr7-81355283-C-T.
Other names: c.1076G>A, p.Trp359Ter (NM_001010932.3); short protein forms W364*, W359*.
Identifiers: ClinVar variation 4691870 (VCV004691870.1).